The following is an entry in ClinVar:

NM_001082971.2(DDC):c.73G>A (p.Glu25Lys)

Gene: DDC (dopa decarboxylase; minus strand). Cytogenetic location: 7p12.1.
Variant type: single nucleotide variant.
Coding change: c.73G>A on transcript NM_001082971.2 (MANE Select); coding-DNA position 73, G replaced by A.
Protein change: p.Glu25Lys; replaces glutamic acid 25 with lysine.
Molecular consequence: missense variant.
Genome position (GRCh38, 1-based): chr7:50,544,013, C>T on the plus strand (G>A on the coding strand, the complement: DDC is on the minus strand). VCF-style: chr7-50544013-C-T. GRCh37 (hg19) VCF-style: chr7-50611711-C-T.
Other names: c.73G>A, p.Glu25Lys (NM_000790.4, NM_001242886.2, NM_001242887.2 and 3 more transcripts); short protein forms E25K.
Identifiers: ClinVar variation 1303113 (VCV001303113.7), dbSNP rs756869400, ClinGen allele CA4262511.
Genomic context (GRCh38, chr7:50,544,013, plus strand): 5'-CGGCAGGGATCAGCGGCCGCAGGTACCCGGGCTCCACGTCAGGGTAGACCTGGCGTCCCT[C>T]AATGCCTTCCATGTAGTTGGCCATGTAATCCACCATCTCCTTCCCTCTCCTTCGGAATTC-3'
Protein context (NP_001076440.2, residues 15-35): DYMANYMEGI[Glu25Lys]GRQVYPDVEP

ClinVar aggregate classification (germline): Conflicting classifications of pathogenicity. Review status: criteria provided, conflicting classifications (1 of 4 stars). 3 submissions from 3 submitters: Pathogenic (1); Uncertain significance (2). Last evaluated 2025-12-05.

Conditions:
Deficiency of aromatic-L-amino-acid decarboxylase. Also called: DDC DEFICIENCY; DOPA DECARBOXYLASE DEFICIENCY; AADC DEFICIENCY; Aromatic L-Amino Acid Decarboxylase Deficiency; Aromatic amino acid decarboxylase deficiency. Identifiers: Orphanet 35708, MedGen C1291564, MONDO:0012084, OMIM 608643.

Allele frequency attached by ClinVar (database versions not stated): ExAC 0.00001; gnomAD exomes 0.00001 and 0.00002.
gnomAD v4.1: 35 of 1,614,222 alleles (0.0022%); highest among the groups gnomAD compares: Non-Finnish European, 0.0028%; no homozygotes.

Submissions (3):

Labcorp Genetics (formerly Invitae), Labcorp
Classification: Pathogenic for Deficiency of aromatic-L-amino-acid decarboxylase. Last evaluated: 2025-12-05. Review status: criteria provided, single submitter. Criteria: Invitae Variant Classification Sherloc (09022015). Collection method: clinical testing. Allele origin: germline.
Comment: This sequence change replaces glutamic acid, which is acidic and polar, with lysine, which is basic and polar, at codon 25 of the DDC protein (p.Glu25Lys). This variant is present in population databases (rs756869400, gnomAD 0.007%). This missense change has been observed in individual(s) with clinical features of aromatic L-amino acid decarboxylase deficiency (PMID: 17240182, 32369189, 37348148). ClinVar contains an entry for this variant (Variation ID: 1303113). Invitae Evidence Modeling of protein sequence and biophysical properties (such as structural, functional, and spatial information, amino acid conservation, physicochemical variation, residue mobility, and thermodynamic stability) indicates that this missense variant is not expected to disrupt DDC protein function with a negative predictive value of 80%. For these reasons, this variant has been classified as Pathogenic.

Women's Health and Genetics/Laboratory Corporation of America, LabCorp
Classification: Uncertain significance. Last evaluated: 2023-10-24. Review status: criteria provided, single submitter. Criteria: LabCorp Variant Classification Summary - May 2015. Collection method: clinical testing. Allele origin: germline.
Comment: Variant summary: DDC c.73G>A (p.Glu25Lys) results in a conservative amino acid change in the encoded protein sequence. Four of five in-silico tools predict a benign effect of the variant on protein function. The variant allele was found at a frequency of 1.2e-05 in 251492 control chromosomes (gnomAD). c.73G>A has been reported in the literature in individuals affected with Deficiency Of Aromatic-L-Amino-Acid Decarboxylase (Verbeek_2007, Spitz_2016, Pearson_2020, Millar_2022). These data indicate that the variant may be associated with disease. To our knowledge, no experimental evidence demonstrating an impact on protein function has been reported. The following publications have been ascertained in the context of this evaluation (PMID: 30952622, 36427457, 35531120, 32369189, 27147232, 17240182). Two submitters have cited clinical-significance assessments for this variant to ClinVar after 2014. One submitter classified the variant as likely pathogenic, and one submitter classified the variant as uncertain significance. Based on the evidence outlined above, the variant was classified as VUS-possibly pathogenic.

GeneDx
Classification: Uncertain significance. Last evaluated: 2019-11-13. Review status: criteria provided, single submitter. Criteria: GeneDx Variant Classification Process June 2021. Collection method: clinical testing. Allele origin: germline. Affected: yes.
Comment: Not observed at a significant frequency in large population cohorts (Lek et al., 2016); In silico analysis, which includes protein predictors and evolutionary conservation, supports that this variant does not alter protein structure/function; Observed in two unrelated patients in published literature with AADC deficiency who also harbored a second variant in the DDC gene (Ganos et al., 2016; Verbeek et al., 2007); This variant is associated with the following publications: (PMID: 17240182, 26924602, 32369189)

Literature cited by the submitters: PubMed 17240182 (cited by Labcorp Genetics (formerly Invitae), Labcorp and Women's Health and Genetics/Laboratory Corporation of America, LabCorp); PubMed 32369189 (cited by Labcorp Genetics (formerly Invitae), Labcorp and Women's Health and Genetics/Laboratory Corporation of America, LabCorp); PubMed 37348148 (cited by Labcorp Genetics (formerly Invitae), Labcorp); PubMed 30952622 (cited by Women's Health and Genetics/Laboratory Corporation of America, LabCorp); PubMed 36427457 (cited by Women's Health and Genetics/Laboratory Corporation of America, LabCorp); PubMed 35531120 (cited by Women's Health and Genetics/Laboratory Corporation of America, LabCorp); PubMed 27147232 (cited by Women's Health and Genetics/Laboratory Corporation of America, LabCorp).